The following is an entry in ClinVar:

ClinVar aggregate classification (germline): Likely pathogenic (1 of 4 stars; one submission).

Conditions:
X-linked Alport syndrome (ATS1). Also called: NEPHROPATHY AND DEAFNESS, X-LINKED; COL4A5-Related Nephropathy. Identifiers: Orphanet 63, Orphanet 88917, MedGen C4746986, MONDO:0010520, OMIM 301050.

Submission:

Myriad Genetics, Inc.
Classification: Likely pathogenic for X-linked Alport syndrome. Last evaluated: 2019-04-21. Review status: criteria provided, single submitter. Criteria: Myriad Women's Health Autosomal Recessive and X-Linked Classification Criteria (2019). Collection method: clinical testing. Allele origin: unknown.
Comment: NM_000495.4(COL4A5):c.4291C>T(Q1431*) is expected to be pathogenic in the context of X-linked Alport syndrome. This variant is predicted to lead to an abnormal or absent protein product due to the creation of a premature termination codon in COL4A5, a gene where loss-of-function variants are known to be pathogenic. Please note: this variant was assessed in the context of healthy population screening.

NM_033380.3(COL4A5):c.4309C>T (p.Gln1437Ter)

Gene: COL4A5 (collagen type IV alpha 5 chain; plus strand). Cytogenetic location: Xq22.3.
Variant type: single nucleotide variant.
Coding change: c.4309C>T on transcript NM_033380.3 (MANE Select); coding-DNA position 4309, C replaced by T.
Protein change: p.Gln1437Ter; replaces glutamine 1437 with a stop codon.
Molecular consequence: nonsense.
Genome position (GRCh38, 1-based): chrX:108,686,123, C>T. VCF-style: chrX-108686123-C-T. GRCh37 (hg19) VCF-style: chrX-107929353-C-T.
Other names: c.4291C>T, p.Gln1431Ter (NM_000495.5); short protein forms Q1431*, Q1437*.
Identifiers: ClinVar variation 984066 (VCV000984066.3), dbSNP rs143778018, ClinGen allele CA413853818.
Genomic context (GRCh38, chrX:108,686,123, plus strand): 5'-AATGGACTCCCTGGCTTTGATGGTGCAGGAGGGCGCAAAGGAGACCCAGGTCTGCCAGGA[C>T]AGCCAGGTAAGACAAGTAAAACATGCTGTTGGTGGAGGGAAAGTCTTTGAGTCTGAGAGA-3'